The following is an entry in ClinVar:

ClinVar aggregate classification (germline): Uncertain significance. Review status: criteria provided, multiple submitters, no conflicts (2 of 4 stars). 2 submissions from 2 submitters: Uncertain significance (2). Last evaluated 2026-01-17.

Conditions:
Primary ciliary dyskinesia. Also called: Ciliary dyskinesia. Identifiers: Orphanet 244, MedGen C0008780, MONDO:0016575, HP:0012265.

Allele frequency attached by ClinVar (database versions not stated): TOPMed 0.00001.

Submissions (2):

GeneDx
Classification: Uncertain significance. Last evaluated: 2026-01-17. Review status: criteria provided, single submitter. Criteria: GeneDx Variant Classification Process June 2021. Collection method: clinical testing. Allele origin: germline. Affected: yes.
Comment: Not observed at significant frequency in large population cohorts (gnomAD); In silico analysis suggests that this missense variant does not alter protein structure/function; Has not been previously published as pathogenic or benign to our knowledge

Labcorp Genetics (formerly Invitae), Labcorp
Classification: Uncertain significance for Primary ciliary dyskinesia. Last evaluated: 2021-09-08. Review status: criteria provided, single submitter. Criteria: Invitae Variant Classification Sherloc (09022015). Collection method: clinical testing. Allele origin: germline.
Comment: This sequence change replaces isoleucine with leucine at codon 2402 of the DNAH5 protein (p.Ile2402Leu). The isoleucine residue is weakly conserved and there is a small physicochemical difference between isoleucine and leucine. This variant is not present in population databases (ExAC no frequency). This variant has not been reported in the literature in individuals affected with DNAH5-related conditions. Algorithms developed to predict the effect of missense changes on protein structure and function (SIFT, PolyPhen-2, Align-GVGD) all suggest that this variant is likely to be tolerated. In summary, the available evidence is currently insufficient to determine the role of this variant in disease. Therefore, it has been classified as a Variant of Uncertain Significance.

NM_001369.3(DNAH5):c.7204A>C (p.Ile2402Leu)

Gene: DNAH5 (dynein axonemal heavy chain 5; minus strand). Cytogenetic location: 5p15.2.
Variant type: single nucleotide variant.
Coding change: c.7204A>C on transcript NM_001369.3 (MANE Select); coding-DNA position 7204, A replaced by C.
Protein change: p.Ile2402Leu; replaces isoleucine 2402 with leucine.
Molecular consequence: missense variant.
Genome position (GRCh38, 1-based): chr5:13,814,631, T>G on the plus strand (A>C on the coding strand, the complement: DNAH5 is on the minus strand). VCF-style: chr5-13814631-T-G. GRCh37 (hg19) VCF-style: chr5-13814740-T-G.
Other names: short protein forms I2402L.
Identifiers: ClinVar variation 569563 (VCV000569563.8), dbSNP rs1368779884, ClinGen allele CA359190254.